The following is an entry in ClinVar:

ClinVar aggregate classification (germline): Uncertain significance (1 of 4 stars; one submission).

Conditions:
Hereditary cancer-predisposing syndrome. Also called: Tumor predisposition; Hereditary neoplastic syndrome; Hereditary Cancer Syndrome; Neoplastic Syndromes, Hereditary. Identifiers: Orphanet 140162, MedGen C0027672, MeSH D009386, MONDO:0015356.

gnomAD v4.1: 1 of 1,613,272 alleles (0.000062%); highest among the groups gnomAD compares: South Asian, 0.0011%; no homozygotes.

Submission:

Ambry Genetics
Classification: Uncertain significance for Hereditary cancer-predisposing syndrome. Last evaluated: 2021-06-02. Review status: criteria provided, single submitter. Criteria: Ambry Variant Classification Scheme 2023. Collection method: clinical testing. Allele origin: germline.
Comment: The p.K208Q variant (also known as c.622A>C), located in coding exon 6 of the NBN gene, results from an A to C substitution at nucleotide position 622. The lysine at codon 208 is replaced by glutamine, an amino acid with similar properties. This variant was observed in a study of 1010 unrelated Indian patients with breast and/or ovarian cancer (Singh J et al. Breast Cancer Res Treat, 2018 Jul;170:189-196). This amino acid position is well conserved in available vertebrate species. In addition, this alteration is predicted to be tolerated by in silico analysis. Since supporting evidence is limited at this time, the clinical significance of this alteration remains unclear.

Literature cited by the submitters: PubMed 29470806.

NM_002485.5(NBN):c.622A>C (p.Lys208Gln)

Gene: NBN (nibrin; minus strand). Cytogenetic location: 8q21.3.
Variant type: single nucleotide variant.
Coding change: c.622A>C on transcript NM_002485.5 (MANE Select); coding-DNA position 622, A replaced by C.
Protein change: p.Lys208Gln; replaces lysine 208 with glutamine.
Molecular consequence: missense variant.
Genome position (GRCh38, 1-based): chr8:89,971,253, T>G on the plus strand (A>C on the coding strand, the complement: NBN is on the minus strand). VCF-style: chr8-89971253-T-G. GRCh37 (hg19) VCF-style: chr8-90983481-T-G.
Other names: c.376A>C, p.Lys126Gln (NM_001024688.3); short protein forms K126Q, K208Q.
Identifiers: ClinVar variation 1171890 (VCV001171890.5), dbSNP rs1272494402, ClinGen allele CA371659242.